The following is an entry in ClinVar:

NM_172107.4(KCNQ2):c.2321_2322delinsAT (p.Cys774Tyr)

Gene: KCNQ2 (potassium voltage-gated channel subfamily Q member 2; minus strand). Cytogenetic location: 20q13.33.
Variant type: Indel.
Coding change: c.2321_2322delinsAT on transcript NM_172107.4 (MANE Select); coding-DNA positions 2321 to 2322, GC replaced by AT.
Protein change: p.Cys774Tyr; replaces cysteine 774 with tyrosine.
Molecular consequence: missense variant.
Genome position (GRCh38, 1-based): chr20:63,406,941-63,406,942, GC replaced by AT on the plus strand (GC replaced by AT on the coding strand, the reverse complement: KCNQ2 is on the minus strand). VCF-style: chr20-63406941-GC-AT. GRCh37 (hg19) VCF-style: chr20-62038294-GC-AT.
Other names: c.2237_2238delinsAT, p.Cys746Tyr (NM_004518.6); c.2267_2268delinsAT, p.Cys756Tyr (NM_172106.3); c.2228_2229delinsAT, p.Cys743Tyr (NM_172108.5); short protein forms C743Y, C746Y, C774Y, C756Y.
Identifiers: ClinVar variation 855374 (VCV000855374.9), dbSNP rs2079958591, ClinGen allele CA916083759.

ClinVar aggregate classification (germline): Uncertain significance (1 of 4 stars; one submission).

Conditions:
Early-infantile DEE. Also called: Ohtahara syndrome; Early infantile epileptic encephalopathy with suppression bursts; Early infantile epileptic encephalopathy. Identifiers: Orphanet 1934, MedGen C0393706, MONDO:0800491.

Submission:

Labcorp Genetics (formerly Invitae), Labcorp
Classification: Uncertain significance for Early-infantile DEE. Last evaluated: 2025-01-14. Review status: criteria provided, single submitter. Criteria: Invitae Variant Classification Sherloc (09022015). Collection method: clinical testing. Allele origin: germline.
Comment: This sequence change replaces cysteine, which is neutral and slightly polar, with tyrosine, which is neutral and polar, at codon 774 of the KCNQ2 protein (p.Cys774Tyr). This variant is present in population databases (no rsID available, gnomAD 0.003%). This variant has not been reported in the literature in individuals affected with KCNQ2-related conditions. ClinVar contains an entry for this variant (Variation ID: 855374). An algorithm developed to predict the effect of missense changes on protein structure and function (PolyPhen-2) suggests that this variant is likely to be tolerated. In summary, the available evidence is currently insufficient to determine the role of this variant in disease. Therefore, it has been classified as a Variant of Uncertain Significance.